The following is an entry in ClinVar:

NM_031372.4(HNRNPDL):c.21T>C (p.Leu7=)

Gene: HNRNPDL (heterogeneous nuclear ribonucleoprotein D like; minus strand). Cytogenetic location: 4q21.22.
Variant type: single nucleotide variant.
Coding change: c.21T>C on transcript NM_031372.4 (MANE Select); coding-DNA position 21, T replaced by C.
Protein change: p.Leu7=; no amino-acid change (leucine 7 retained).
Molecular consequence: synonymous variant. On other transcripts: non-coding transcript variant (1).
Genome position (GRCh38, 1-based): chr4:82,429,670, A>G on the plus strand (T>C on the coding strand, the complement: HNRNPDL is on the minus strand). VCF-style: chr4-82429670-A-G. GRCh37 (hg19) VCF-style: chr4-83350823-A-G.
Other names: c.21T>C, p.Leu7= (NM_001207000.1).
Identifiers: ClinVar variation 715125 (VCV000715125.32), dbSNP rs778302994, ClinGen allele CA2985160.
Genomic context (GRCh38, chr4:82,429,670, plus strand): 5'-GAGGCTGCGGGAGGCTAAAGTAGCGGGAGCGGAGGGGAACAATGGCGGCGGCACATGGGA[A>G]AGCCTGGGCGGGACCTCCATCGCGGCCCTCCCGGCAAGGAGAGAGGCCACGCGTGAGGGG-3'
Protein context (NP_112740.1, residues 1-17): MEVPPR[Leu7=]SHVPPPLFPS

ClinVar aggregate classification (germline): Likely benign. Review status: criteria provided, multiple submitters, no conflicts (2 of 4 stars). 3 submissions from 3 submitters: Likely benign (3). Last evaluated 2025-10-13.

Conditions:
Autosomal dominant limb-girdle muscular dystrophy type 1G (LGMDD3). Also called: Limb-girdle muscular dystrophy, type 1G; MUSCULAR DYSTROPHY, LIMB-GIRDLE, AUTOSOMAL DOMINANT 3. Identifiers: Orphanet 55596, MedGen C1836765, MONDO:0012193, OMIM 609115.

Allele frequency attached by ClinVar (database versions not stated): ExAC below 0.00001; gnomAD 0.00004 and 0.00005; TOPMed 0.00006.
gnomAD v4.1: 122 of 1,362,730 alleles (0.009%); highest among the groups gnomAD compares: Non-Finnish European, 0.011%; no homozygotes.

Submissions (3):

Labcorp Genetics (formerly Invitae), Labcorp
Classification: Likely benign for Autosomal dominant limb-girdle muscular dystrophy type 1G. Last evaluated: 2025-10-13. Review status: criteria provided, single submitter. Criteria: Invitae Variant Classification Sherloc (09022015). Collection method: clinical testing. Allele origin: germline.

Blueprint Genetics
Classification: Likely benign. Last evaluated: 2024-10-02. Review status: criteria provided, single submitter. Criteria: ACMG Guidelines, 2015. Collection method: clinical testing. Allele origin: germline.

CeGaT Center for Human Genetics Tuebingen
Classification: Likely benign. Last evaluated: 2022-07-01. Review status: criteria provided, single submitter. Criteria: CeGaT Center For Human Genetics Tuebingen Variant Classification Criteria Version 2. Collection method: clinical testing. Allele origin: germline. Affected: yes. Observed: 1 variant allele.
Comment: HNRNPDL: BP4, BP7